The following is an entry in ClinVar:

NM_006015.6(ARID1A):c.3981G>A (p.Gln1327=)

Gene: ARID1A (AT-rich interaction domain 1A; plus strand). Cytogenetic location: 1p36.11.
Variant type: single nucleotide variant.
Coding change: c.3981G>A on transcript NM_006015.6 (MANE Select); coding-DNA position 3981, G replaced by A.
Protein change: p.Gln1327=; no amino-acid change (glutamine 1327 retained).
Molecular consequence: synonymous variant.
Genome position (GRCh38, 1-based): chr1:26,773,694, G>A. VCF-style: chr1-26773694-G-A. GRCh37 (hg19) VCF-style: chr1-27100185-G-A.
Other names: c.3981G>A, p.Gln1327= (NM_139135.4).
Identifiers: ClinVar variation 4872758 (VCV004872758.2).
Genomic context (GRCh38, chr1:26,773,694, plus strand): 5'-GAATCTCATGCCTTCCAACCCAGACTCGGGGATGTATTCTCCTAGCCGCTACCCCCCGCA[G>A]CAGCAGCAGCAGCAGCAGCAACGGTGAGTAAAGCCTGGTCTCGGTGCTGCTATGGATCAG-3'
Protein context (NP_006006.3, residues 1317-1337): GMYSPSRYPP[Gln1327=]QQQQQQQRHD

ClinVar aggregate classification (germline): Likely benign (1 of 4 stars; one submission).

Submission:

CeGaT Center for Human Genetics Tuebingen
Classification: Likely benign. Last evaluated: 2026-04-01. Review status: criteria provided, single submitter. Criteria: CeGaT Center For Human Genetics Tuebingen Variant Classification Criteria Version 2. Collection method: clinical testing. Allele origin: germline. Affected: yes. Observed: 1 variant allele.
Comment: ARID1A: PM2:Supporting, BP4, BP7